The following is an entry in ClinVar:

ClinVar aggregate classification (germline): Uncertain significance (1 of 4 stars; one submission).

Submission:

GeneDx
Classification: Uncertain significance. Last evaluated: 2024-05-02. Review status: criteria provided, single submitter. Criteria: GeneDx Variant Classification Process June 2021. Collection method: clinical testing. Allele origin: germline. Affected: yes.
Comment: Not observed at significant frequency in large population cohorts (gnomAD); In silico analysis supports that this missense variant has a deleterious effect on protein structure/function; Has not been previously published as pathogenic or benign to our knowledge

NM_001012614.2(CTBP1):c.998C>T (p.Pro333Leu)

Genes: CTBP1 (C-terminal binding protein 1; minus strand), CTBP1-AS (CTBP1 antisense RNA; plus strand). Cytogenetic location: 4p16.3.
Variant type: single nucleotide variant.
Coding change: c.998C>T on transcript NM_001012614.2 (MANE Select); coding-DNA position 998, C replaced by T.
Protein change: p.Pro333Leu; replaces proline 333 with leucine.
Molecular consequence: missense variant.
Genome position (GRCh38, 1-based): chr4:1,213,021, G>A on the plus strand (C>T on the coding strand, the complement: CTBP1 is on the minus strand). VCF-style: chr4-1213021-G-A. GRCh37 (hg19) VCF-style: chr4-1206809-G-A.
Other names: c.998C>T, p.Pro333Leu (NM_001377193.1, NM_001377187.1, NM_001377188.1 and 4 more transcripts); c.1031C>T, p.Pro344Leu (NM_001328.3, NM_001377186.1); short protein forms P333L, P344L.
Identifiers: ClinVar variation 3373187 (VCV003373187.1).